The following is an entry in ClinVar:

NM_003718.5(CDK13):c.3094G>A (p.Gly1032Ser)

Gene: CDK13 (cyclin dependent kinase 13; plus strand). Cytogenetic location: 7p14.1.
Variant type: single nucleotide variant.
Coding change: c.3094G>A on transcript NM_003718.5 (MANE Select); coding-DNA position 3094, G replaced by A.
Protein change: p.Gly1032Ser; replaces glycine 1032 with serine.
Molecular consequence: missense variant.
Genome position (GRCh38, 1-based): chr7:40,088,190, G>A. VCF-style: chr7-40088190-G-A. GRCh37 (hg19) VCF-style: chr7-40127789-G-A.
Other names: c.3094G>A, p.Gly1032Ser (NM_031267.4); short protein forms G1032S.
Identifiers: ClinVar variation 975513 (VCV000975513.18), dbSNP rs200412973, ClinGen allele CA4228877.

ClinVar aggregate classification (germline): Likely benign. Review status: criteria provided, multiple submitters, no conflicts (2 of 4 stars). 7 submissions from 7 submitters: Likely benign (6). 1 of the submissions does not count toward it. Last evaluated 2026-01-01.

Conditions:
Inborn genetic diseases. Identifiers: MedGen C0950123, MeSH D030342.
Intellectual disability. Also called: Intellectual developmental disorder; intellectual disabilities; Intellectual functioning disability. Identifiers: MedGen C3714756, MeSH D008607, MONDO:0001071, HP:0001249.

Allele frequency attached by ClinVar (database versions not stated): gnomAD exomes 0.00005 and 0.00010; gnomAD 0.00006 and 0.00008; ExAC 0.00007; TOPMed 0.00007; 1000 Genomes Project 30x 0.00031; 1000 Genomes Project 0.00040.
gnomAD v4.1: 91 of 1,613,828 alleles (0.0056%); highest among the groups gnomAD compares: Admixed American, 0.025%; 1 homozygote.

Submissions (7):

CeGaT Center for Human Genetics Tuebingen
Classification: Likely benign. Last evaluated: 2026-01-01. Review status: criteria provided, single submitter. Criteria: CeGaT Center For Human Genetics Tuebingen Variant Classification Criteria Version 2. Collection method: clinical testing. Allele origin: germline. Affected: yes. Observed: 1 variant allele.
Comment: CDK13: BS1

Labcorp Genetics (formerly Invitae), Labcorp
Classification: Likely benign. Last evaluated: 2025-08-18. Review status: criteria provided, single submitter. Criteria: Invitae Variant Classification Sherloc (09022015). Collection method: clinical testing. Allele origin: germline.

Laboratory of Genetics, Children's Clinical University Hospital Latvia
Classification: Likely benign. Last evaluated: 2025-02-16. Review status: criteria provided, single submitter. Criteria: ACMG Guidelines, 2015. Collection method: clinical testing. Allele origin: germline. Affected: yes.

Ambry Genetics
Classification: Likely benign for Inborn genetic diseases. Last evaluated: 2021-07-09. Review status: criteria provided, single submitter. Criteria: Ambry Variant Classification Scheme 2023. Collection method: clinical testing. Allele origin: germline.

Cambridge Genomics Laboratory, East Genomic Laboratory Hub, NHS Genomic Medicine Service
Classification: Likely benign for Intellectual disability. Last evaluated: 2019-05-16. Review status: criteria provided, single submitter. Criteria: ACGS Best Practice Guidelines for Variant Classification in Rare Disease 2020. Collection method: clinical testing. Allele origin: germline. Affected: yes. Observed: 1 variant allele.

Breakthrough Genomics
Classification: Likely benign. Review status: criteria provided, single submitter. Criteria: ACMG Guidelines, 2015. Collection method: not provided. Allele origin: germline. Inheritance: Autosomal dominant inheritance. Affected: yes.

Centre de Biologie Pathologie Génétique, Centre Hospitalier Universitaire de Lille
Classification: Likely benign for Intellectual disability. Last evaluated: 2019-01-01. Review status: no assertion criteria provided. Collection method: clinical testing. Allele origin: inherited. Affected: yes. Not counted in ClinVar's aggregate classification.